The following is an entry in ClinVar:

ClinVar aggregate classification (germline): Uncertain significance (1 of 4 stars; one submission).

gnomAD v4.1: 3 of 1,612,838 alleles (0.00019%); highest among the groups gnomAD compares: Admixed American, 0.0017%; no homozygotes.

Submission:

Labcorp Genetics (formerly Invitae), Labcorp
Classification: Uncertain significance. Last evaluated: 2022-02-15. Review status: criteria provided, single submitter. Criteria: Invitae Variant Classification Sherloc (09022015). Collection method: clinical testing. Allele origin: germline.
Comment: In summary, the available evidence is currently insufficient to determine the role of this variant in disease. Therefore, it has been classified as a Variant of Uncertain Significance. Algorithms developed to predict the effect of missense changes on protein structure and function (SIFT, PolyPhen-2, Align-GVGD) all suggest that this variant is likely to be disruptive. This variant has not been reported in the literature in individuals affected with SLC25A4-related conditions. This variant is not present in population databases (gnomAD no frequency). This sequence change replaces arginine, which is basic and polar, with cysteine, which is neutral and slightly polar, at codon 152 of the SLC25A4 protein (p.Arg152Cys).

NM_001151.4(SLC25A4):c.454C>T (p.Arg152Cys)

Gene: SLC25A4 (solute carrier family 25 member 4; plus strand). Cytogenetic location: 4q35.1.
Variant type: single nucleotide variant.
Coding change: c.454C>T on transcript NM_001151.4 (MANE Select); coding-DNA position 454, C replaced by T.
Protein change: p.Arg152Cys; replaces arginine 152 with cysteine.
Molecular consequence: missense variant.
Genome position (GRCh38, 1-based): chr4:185,145,106, C>T. VCF-style: chr4-185145106-C-T. GRCh37 (hg19) VCF-style: chr4-186066260-C-T.
Other names: short protein forms R152C.
Identifiers: ClinVar variation 2097787 (VCV002097787.4), dbSNP rs1560841884, ClinGen allele CA358896656.